The following is an entry in ClinVar:

ClinVar aggregate classification (germline): Uncertain significance (1 of 4 stars; one submission).

Conditions:
Primary ciliary dyskinesia 28. Also called: CILIARY DYSKINESIA, PRIMARY, 28, WITH OR WITHOUT SITUS INVERSUS. Identifiers: Orphanet 244, MedGen C3809706, MONDO:0014216, OMIM 615505.

Allele frequency attached by ClinVar (database versions not stated): gnomAD exomes below 0.00001.
gnomAD v4.1: 2 of 1,543,616 alleles (0.00013%); highest among the groups gnomAD compares: Non-Finnish European, 0.000087%; no homozygotes.

Submission:

Labcorp Genetics (formerly Invitae), Labcorp
Classification: Uncertain significance for Primary ciliary dyskinesia 28. Last evaluated: 2024-01-29. Review status: criteria provided, single submitter. Criteria: Invitae Variant Classification Sherloc (09022015). Collection method: clinical testing. Allele origin: germline.
Comment: This sequence change replaces leucine, which is neutral and non-polar, with phenylalanine, which is neutral and non-polar, at codon 171 of the SPAG1 protein (p.Leu171Phe). This variant is not present in population databases (gnomAD no frequency). This variant has not been reported in the literature in individuals affected with SPAG1-related conditions. Advanced modeling of protein sequence and biophysical properties (such as structural, functional, and spatial information, amino acid conservation, physicochemical variation, residue mobility, and thermodynamic stability) performed at Invitae indicates that this missense variant is not expected to disrupt SPAG1 protein function with a negative predictive value of 80%. In summary, the available evidence is currently insufficient to determine the role of this variant in disease. Therefore, it has been classified as a Variant of Uncertain Significance.

NM_003114.5(SPAG1):c.513A>C (p.Leu171Phe)

Gene: SPAG1 (sperm associated antigen 1; plus strand). Cytogenetic location: 8q22.2.
Variant type: single nucleotide variant.
Coding change: c.513A>C on transcript NM_003114.5 (MANE Select); coding-DNA position 513, A replaced by C.
Protein change: p.Leu171Phe; replaces leucine 171 with phenylalanine.
Molecular consequence: missense variant.
Genome position (GRCh38, 1-based): chr8:100,183,980, A>C. VCF-style: chr8-100183980-A-C. GRCh37 (hg19) VCF-style: chr8-101196208-A-C.
Other names: c.513A>C, p.Leu171Phe (NM_001374321.1, NM_172218.3); short protein forms L171F.
Identifiers: ClinVar variation 2778324 (VCV002778324.3), dbSNP rs919747697, ClinGen allele CA182364154.